The following is an entry in ClinVar:

ClinVar aggregate classification (germline): Uncertain significance. Review status: criteria provided, multiple submitters, no conflicts (2 of 4 stars). 6 submissions from 6 submitters: Uncertain significance (6). Last evaluated 2025-11-23.

Conditions:
Hereditary cancer-predisposing syndrome. Also called: Neoplastic Syndromes, Hereditary; Hereditary Cancer Syndrome; Tumor predisposition; Hereditary neoplastic syndrome. Identifiers: Orphanet 140162, MedGen C0027672, MeSH D009386, MONDO:0015356.
Familial cancer of breast. Also called: hereditary breast carcinoma; Hereditary breast cancer; BREAST CANCER, FAMILIAL. Identifiers: Orphanet 227535, MedGen C0346153, MONDO:0016419, OMIM 114480. Disease mechanism: loss of function.

Allele frequency attached by ClinVar (database versions not stated): TOPMed 0.00001.
gnomAD v4.1: 2 of 1,614,002 alleles (0.00012%); highest among the groups gnomAD compares: Admixed American, 0.0017%; no homozygotes.

Submissions (6):

Labcorp Genetics (formerly Invitae), Labcorp
Classification: Uncertain significance for Familial cancer of breast. Last evaluated: 2025-11-23. Review status: criteria provided, single submitter. Criteria: Invitae Variant Classification Sherloc (09022015). Collection method: clinical testing. Allele origin: germline.
Comment: This sequence change replaces glutamic acid, which is acidic and polar, with glycine, which is neutral and non-polar, at codon 652 of the BARD1 protein (p.Glu652Gly). This variant is not present in population databases (gnomAD no frequency). This missense change has been observed in individual(s) with breast cancer (PMID: 26787654). ClinVar contains an entry for this variant (Variation ID: 230114). An algorithm developed to predict the effect of missense changes on protein structure and function (PolyPhen-2) suggests that this variant is likely to be disruptive. In summary, the available evidence is currently insufficient to determine the role of this variant in disease. Therefore, it has been classified as a Variant of Uncertain Significance.

Color Diagnostics, LLC DBA Color Health
Classification: Uncertain significance for Hereditary cancer-predisposing syndrome. Last evaluated: 2025-03-24. Review status: criteria provided, single submitter. Criteria: ACMG Guidelines, 2015. Collection method: clinical testing. Allele origin: germline.
Comment: This missense variant replaces glutamic acid with glycine at codon 652 of the BARD1 protein. Computational prediction suggests that this variant may not impact protein structure and function. To our knowledge, functional studies have not been reported for this variant. This variant has not been reported in individuals affected with hereditary cancer in the literature. This variant has not been identified in the general population by the Genome Aggregation Database (gnomAD). The available evidence is insufficient to determine the role of this variant in disease conclusively. Therefore, this variant is classified as a Variant of Uncertain Significance.

Ambry Genetics
Classification: Uncertain significance for Hereditary cancer-predisposing syndrome. Last evaluated: 2024-08-19. Review status: criteria provided, single submitter. Criteria: Ambry Variant Classification Scheme 2023. Collection method: clinical testing. Allele origin: germline.
Comment: The p.E652G variant (also known as c.1955A>G), located in coding exon 10 of the BARD1 gene, results from an A to G substitution at nucleotide position 1955. The glutamic acid at codon 652 is replaced by glycine, an amino acid with similar properties. In one study, this variant was observed in 0/3236 cases with invasive epithelial ovarian cancer and 1/3431 controls (Ramus SJ et al. J Natl Cancer Inst, 2015 Nov;107). This variant was also reported in a study of 1297 cases of early-onset breast cancer and 1121 controls (Young EL et al. J. Med. Genet. 2016 06;53:366-76). This amino acid position is highly conserved in available vertebrate species. In addition, the in silico prediction for this alteration is inconclusive. Based on the available evidence, the clinical significance of this variant remains unclear.

Baylor Genetics
Classification: Uncertain significance for Familial cancer of breast. Last evaluated: 2024-03-18. Review status: criteria provided, single submitter. Criteria: ACMG Guidelines, 2015. Collection method: clinical testing. Allele origin: unknown.

Blueprint Genetics
Classification: Uncertain significance. Last evaluated: 2023-06-22. Review status: criteria provided, single submitter. Criteria: ACMG Guidelines, 2015. Collection method: clinical testing. Allele origin: germline.

Mendelics
Classification: Uncertain significance. Last evaluated: 2022-05-04. Review status: criteria provided, single submitter. Criteria: Mendelics Assertion Criteria 2019. Collection method: clinical testing. Allele origin: germline.

Literature cited by the submitters: PubMed 26787654 (cited by Labcorp Genetics (formerly Invitae), Labcorp and Ambry Genetics); PubMed 26315354 (cited by Ambry Genetics).

NM_000465.4(BARD1):c.1955A>G (p.Glu652Gly)

Gene: BARD1 (BRCA1 associated RING domain 1; minus strand). Cytogenetic location: 2q35.
Variant type: single nucleotide variant.
Coding change: c.1955A>G on transcript NM_000465.4 (MANE Select); coding-DNA position 1955, A replaced by G.
Protein change: p.Glu652Gly; replaces glutamic acid 652 with glycine.
Molecular consequence: missense variant. On other transcripts: non-coding transcript variant (3).
Genome position (GRCh38, 1-based): chr2:214,730,457, T>C on the plus strand (A>G on the coding strand, the complement: BARD1 is on the minus strand). VCF-style: chr2-214730457-T-C. GRCh37 (hg19) VCF-style: chr2-215595181-T-C.
Other names: c.1898A>G, p.Glu633Gly (NM_001282543.2); c.602A>G, p.Glu201Gly (NM_001282545.2); c.545A>G, p.Glu182Gly (NM_001282548.2); c.416A>G, p.Glu139Gly (NM_001282549.2); short protein forms E652G, E182G, E201G, E633G, E139G.
Identifiers: ClinVar variation 230114 (VCV000230114.24), dbSNP rs876658395, ClinGen allele CA10577775.